The following is an entry in ClinVar:

ClinVar aggregate classification (germline): Uncertain significance (1 of 4 stars; one submission).

Conditions:
Combined immunodeficiency due to LRBA deficiency. Also called: Common variable immunodeficiency 8, with autoimmunity. Identifiers: Orphanet 445018, MedGen C3553512, MONDO:0013863, OMIM 614700.

Allele frequency attached by ClinVar (database versions not stated): gnomAD exomes below 0.00001.
gnomAD v4.1: 1 of 1,614,074 alleles (0.000062%); highest among the groups gnomAD compares: Non-Finnish European, 0.000085%; no homozygotes.

Submission:

Labcorp Genetics (formerly Invitae), Labcorp
Classification: Uncertain significance for Common variable immunodeficiency 8, with autoimmunity. Last evaluated: 2019-04-22. Review status: criteria provided, single submitter. Criteria: Invitae Variant Classification Sherloc (09022015). Collection method: clinical testing. Allele origin: germline.
Comment: This sequence change replaces tyrosine with histidine at codon 2831 of the LRBA protein (p.Tyr2831His). The tyrosine residue is moderately conserved and there is a moderate physicochemical difference between tyrosine and histidine. This variant is not present in population databases (ExAC no frequency). This variant has not been reported in the literature in individuals with LRBA-related disease. Algorithms developed to predict the effect of missense changes on protein structure and function output the following: SIFT: "Tolerated"; PolyPhen-2: "Benign"; Align-GVGD: "Class C0". The histidine amino acid residue is found in multiple mammalian species, suggesting that this missense change does not adversely affect protein function. These predictions have not been confirmed by published functional studies and their clinical significance is uncertain. In summary, the available evidence is currently insufficient to determine the role of this variant in disease. Therefore, it has been classified as a Variant of Uncertain Significance.

NM_001364905.1(LRBA):c.8458T>C (p.Tyr2820His)

Gene: LRBA (LPS responsive beige-like anchor protein; minus strand). Cytogenetic location: 4q31.3.
Variant type: single nucleotide variant.
Coding change: c.8458T>C on transcript NM_001364905.1 (MANE Select); coding-DNA position 8458, T replaced by C.
Protein change: p.Tyr2820His; replaces tyrosine 2820 with histidine.
Molecular consequence: missense variant.
Genome position (GRCh38, 1-based): chr4:150,277,863, A>G on the plus strand (T>C on the coding strand, the complement: LRBA is on the minus strand). VCF-style: chr4-150277863-A-G. GRCh37 (hg19) VCF-style: chr4-151199015-A-G.
Other names: c.8455T>C, p.Tyr2819His (NM_001199282.3); c.8473T>C, p.Tyr2825His (NM_001367550.1); c.8491T>C, p.Tyr2831His (NM_006726.5); short protein forms Y2825H, Y2831H, Y2820H, Y2819H.
Identifiers: ClinVar variation 645582 (VCV000645582.2), dbSNP rs1580874816, ClinGen allele CA358438403.